The following is an entry in ClinVar:

NM_000384.3(APOB):c.4721C>A (p.Thr1574Asn)

Gene: APOB (apolipoprotein B; minus strand). Cytogenetic location: 2p24.1.
Variant type: single nucleotide variant.
Coding change: c.4721C>A on transcript NM_000384.3 (MANE Select); coding-DNA position 4721, C replaced by A.
Protein change: p.Thr1574Asn; replaces threonine 1574 with asparagine.
Molecular consequence: missense variant.
Genome position (GRCh38, 1-based): chr2:21,012,147, G>T on the plus strand (C>A on the coding strand, the complement: APOB is on the minus strand). VCF-style: chr2-21012147-G-T. GRCh37 (hg19) VCF-style: chr2-21235019-G-T.
Other names: short protein forms T1574N.
Identifiers: ClinVar variation 5009424 (VCV005009424.1).

ClinVar aggregate classification (germline): Uncertain significance (1 of 4 stars; one submission).

Submission:

GeneDx
Classification: Uncertain significance. Last evaluated: 2026-03-18. Review status: criteria provided, single submitter. Criteria: GeneDx Variant Classification Process June 2021. Collection method: clinical testing. Allele origin: germline.
Comment: Not observed at significant frequency in large population cohorts (gnomAD); In silico analysis supports that this missense variant has a deleterious effect on protein structure/function; Has not been previously published as pathogenic or benign to our knowledge